The following is an entry in ClinVar:

NM_001271.4(CHD2):c.1108G>C (p.Ala370Pro)

Gene: CHD2 (chromodomain helicase DNA binding protein 2; plus strand). Cytogenetic location: 15q26.1.
Variant type: single nucleotide variant.
Coding change: c.1108G>C on transcript NM_001271.4 (MANE Select); coding-DNA position 1108, G replaced by C.
Protein change: p.Ala370Pro; replaces alanine 370 with proline.
Molecular consequence: missense variant.
Genome position (GRCh38, 1-based): chr15:92,944,470, G>C. VCF-style: chr15-92944470-G-C. GRCh37 (hg19) VCF-style: chr15-93487700-G-C.
Other names: c.1108G>C, p.Ala370Pro (NM_001042572.3); short protein forms A370P.
Identifiers: ClinVar variation 1203105 (VCV001203105.3), dbSNP rs1369387001, ClinGen allele CA393903070.
Genomic context (GRCh38, chr15:92,944,470, plus strand): 5'-TTCAGGTTAGGGAAAGTTTCTCCTGAAGATGTAGAATATTTCAATTGCCAACAGGAGCTG[G>C]CTTCAGAGTTGAATAAACAGTATCAGATAGTAGAAAGAGTAATAGGTAAGTACATGGTAA-3'
Protein context (NP_001262.3, residues 360-380): VEYFNCQQEL[Ala370Pro]SELNKQYQIV

ClinVar aggregate classification (germline): Uncertain significance (1 of 4 stars; one submission).

Submission:

GeneDx
Classification: Uncertain significance. Last evaluated: 2020-01-06. Review status: criteria provided, single submitter. Criteria: GeneDx Variant Classification Process June 2021. Collection method: clinical testing. Allele origin: germline. Affected: yes.
Comment: Not observed in large population cohorts (Lek et al., 2016); In silico analysis, which includes protein predictors and evolutionary conservation, supports that this variant does not alter protein structure/function; Has not been previously published as pathogenic or benign to our knowledge